The following is an entry in ClinVar:

ClinVar aggregate classification (germline): Uncertain significance (1 of 4 stars; one submission).

Conditions:
Charcot-Marie-Tooth disease, type I (CMT1). Also called: Charcot-Marie-Tooth, Type 1; Charcot-Marie-Tooth disease type 1. Identifiers: Orphanet 65753, MedGen C0751036, MONDO:0019011.

Submission:

Labcorp Genetics (formerly Invitae), Labcorp
Classification: Uncertain significance for Charcot-Marie-Tooth disease, type I. Last evaluated: 2023-02-27. Review status: criteria provided, single submitter. Criteria: Invitae Variant Classification Sherloc (09022015). Collection method: clinical testing. Allele origin: germline.
Comment: This missense change has been observed in individual(s) with Charcot-Marie-Tooth disease (PMID: 11835375). This variant is not present in population databases (gnomAD no frequency). This sequence change replaces isoleucine, which is neutral and non-polar, with methionine, which is neutral and non-polar, at codon 162 of the MPZ protein (p.Ile162Met). ClinVar contains an entry for this variant (Variation ID: 242746). In summary, the available evidence is currently insufficient to determine the role of this variant in disease. Therefore, it has been classified as a Variant of Uncertain Significance. Advanced modeling of protein sequence and biophysical properties (such as structural, functional, and spatial information, amino acid conservation, physicochemical variation, residue mobility, and thermodynamic stability) performed at Invitae indicates that this missense variant is not expected to disrupt MPZ protein function.

Literature cited by the submitters: PubMed 11835375.

NM_000530.8(MPZ):c.486C>G (p.Ile162Met)

Gene: MPZ (myelin protein zero; minus strand). Cytogenetic location: 1q23.3.
Variant type: single nucleotide variant.
Coding change: c.486C>G on transcript NM_000530.8 (MANE Select); coding-DNA position 486, C replaced by G.
Protein change: p.Ile162Met; replaces isoleucine 162 with methionine.
Molecular consequence: missense variant.
Genome position (GRCh38, 1-based): chr1:161,306,427, G>C on the plus strand (C>G on the coding strand, the complement: MPZ is on the minus strand). VCF-style: chr1-161306427-G-C. GRCh37 (hg19) VCF-style: chr1-161276217-G-C.
Other names: c.486C>G, p.Ile162Met (LRG_256t1, NM_001315491.2); short protein forms I162M.
Identifiers: ClinVar variation 242746 (VCV000242746.10), dbSNP rs267607246, ClinGen allele CA351454.